The following is an entry in ClinVar:

ClinVar aggregate classification (germline): Conflicting classifications of pathogenicity. Review status: criteria provided, conflicting classifications (1 of 4 stars). 11 submissions from 11 submitters: Uncertain significance (3); Benign (1); Likely benign (6). 1 of the submissions does not count toward it. Last evaluated 2026-01-20.

Conditions:
OTOG-related disorder. Also called: OTOG-related condition.
Meniere disease. Also called: Ménière's disease. Identifiers: MedGen C0025281, MONDO:0007972, OMIM 156000.
Autosomal recessive nonsyndromic hearing loss 18B. Also called: Deafness, autosomal recessive 18b. Identifiers: Orphanet 90636, MedGen C3554163, MONDO:0013985, OMIM 614945.

Allele frequency attached by ClinVar (database versions not stated): gnomAD exomes 0.00134 and 0.00247; gnomAD 0.00229 and 0.00240; TOPMed 0.00288; 1000 Genomes Project 0.00339; 1000 Genomes Project 30x 0.00359; ExAC 0.00374.

Submissions (11):

Labcorp Genetics (formerly Invitae), Labcorp
Classification: Likely benign. Last evaluated: 2026-01-20. Review status: criteria provided, single submitter. Criteria: Invitae Variant Classification Sherloc (09022015). Collection method: clinical testing. Allele origin: germline.

CeGaT Center for Human Genetics Tuebingen
Classification: Likely benign. Last evaluated: 2026-01-01. Review status: criteria provided, single submitter. Criteria: CeGaT Center For Human Genetics Tuebingen Variant Classification Criteria Version 2. Collection method: clinical testing. Allele origin: germline. Affected: yes. Observed: 2 variant alleles.
Comment: OTOG: BP4

Blueprint Genetics
Classification: Likely benign. Last evaluated: 2024-11-06. Review status: criteria provided, single submitter. Criteria: ACMG Guidelines, 2015. Collection method: clinical testing. Allele origin: germline.

GeneDx
Classification: Likely benign. Last evaluated: 2021-07-22. Review status: criteria provided, single submitter. Criteria: GeneDx Variant Classification Process June 2021. Collection method: clinical testing. Allele origin: germline. Affected: yes.

Otology & Neurotology- Genomics of vestibular disorders (CTS-495), Jose Antonio López Escámez, Centro Pfizer - Universidad de Granada - Junta de Andalucía de Genómica e Investigación Oncológica (GENYO)
Classification: Uncertain significance for Meniere disease. Last evaluated: 2020-01-01. Review status: criteria provided, single submitter. Criteria: ACMG Guidelines, 2015. Collection method: case-control. Allele origin: germline. Affected: yes.

Revvity Omics, Revvity
Classification: Uncertain significance for Autosomal recessive nonsyndromic hearing loss 18B. Last evaluated: 2019-02-28. Review status: criteria provided, single submitter. Criteria: ACMG Guidelines, 2015. Collection method: clinical testing. Allele origin: germline.

Eurofins Ntd Llc (ga)
Classification: Likely benign. Last evaluated: 2018-09-11. Review status: criteria provided, single submitter. Criteria: EGL ClinVar v180209 classification definitions. Collection method: clinical testing. Allele origin: germline. Observed: 1 variant allele, 1 heterozygote.

Athena Diagnostics
Classification: Likely benign. Last evaluated: 2018-07-31. Review status: criteria provided, single submitter. Criteria: Athena Diagnostics Criteria. Collection method: clinical testing. Allele origin: germline.

Center for Pediatric Genomic Medicine, Children's Mercy Hospital and Clinics
Classification: Uncertain significance. Last evaluated: 2016-05-12. Review status: criteria provided, single submitter. Criteria: ACMG Guidelines, 2015. Collection method: clinical testing. Allele origin: germline.
ClinVar note: Converted during submission from Uncertain Significance to Uncertain significance.

Laboratory for Molecular Medicine, Mass General Brigham Personalized Medicine
Classification: Benign. Last evaluated: 2016-02-02. Review status: criteria provided, single submitter. Criteria: LMM Criteria. Collection method: clinical testing. Allele origin: germline. Observed: 3 variant alleles.
Comment: p.Ala2037Val in exon 35 of OTOG: This variant is not expected to have clinical s ignificance because it has been identified in 0.7% (36/5462) of South Asian chro mosomes by the Exome Aggregation Consortium (ExAC, g; dbSNP rs61736002).

PreventionGenetics, part of Exact Sciences
Classification: Likely benign for OTOG-related condition. Last evaluated: 2020-05-21. Review status: no assertion criteria provided. Collection method: clinical testing. Allele origin: germline. Not counted in ClinVar's aggregate classification.
Comment: This variant is classified as likely benign based on ACMG/AMP sequence variant interpretation guidelines (Richards et al. 2015 PMID: 25741868, with internal and published modifications).

NM_001292063.2(OTOG):c.6074C>T (p.Ala2025Val)

Gene: OTOG (otogelin; plus strand). Cytogenetic location: 11p15.1.
Variant type: single nucleotide variant.
Coding change: c.6074C>T on transcript NM_001292063.2 (MANE Select); coding-DNA position 6074, C replaced by T.
Protein change: p.Ala2025Val; replaces alanine 2025 with valine.
Molecular consequence: missense variant.
Genome position (GRCh38, 1-based): chr11:17,611,374, C>T. VCF-style: chr11-17611374-C-T. GRCh37 (hg19) VCF-style: chr11-17632921-C-T.
Other names: c.6110C>T, p.Ala2037Val (NM_001277269.2); c.[6110C>T] (NM_001277269.2); short protein forms A2037V, A2025V.
Identifiers: ClinVar variation 226902 (VCV000226902.46), dbSNP rs61736002, ClinGen allele CA5905980.